The following is an entry in ClinVar:

NM_148919.4(PSMB8):c.360T>G (p.Cys120Trp)

Gene: PSMB8 (proteasome 20S subunit beta 8; minus strand). Cytogenetic location: 6p21.32.
Variant type: single nucleotide variant.
Coding change: c.360T>G on transcript NM_148919.4 (MANE Select); coding-DNA position 360, T replaced by G.
Protein change: p.Cys120Trp; replaces cysteine 120 with tryptophan.
Molecular consequence: missense variant.
Genome position (GRCh38, 1-based): chr6:32,842,719, A>C on the plus strand (T>G on the coding strand, the complement: PSMB8 is on the minus strand). VCF-style: chr6-32842719-A-C. GRCh37 (hg19) VCF-style: chr6-32810496-A-C.
Other names: c.348T>G, p.Cys116Trp (NM_004159.5); short protein forms C116W, C120W.
Identifiers: ClinVar variation 1491549 (VCV001491549.8), dbSNP rs2127378014, ClinGen allele CA363589164.
Genomic context (GRCh38, chr6:32,842,719, plus strand): 5'-AGGCCTCGCTTACCTGCATTCCTTGGCCAGCAGGCGCTCCCAGTACTGACAGTCTGCTGC[A>C]CAGCCAGACATGGTGCCAAGCAGGTAAGGGTTAATCTCAATCACCTTGTTCACCCGTAAG-3'
Protein context (NP_683720.2, residues 110-130): NPYLLGTMSG[Cys120Trp]AADCQYWERL

ClinVar aggregate classification (germline): Uncertain significance (1 of 4 stars; one submission).

Conditions:
Proteosome-associated autoinflammatory syndrome. Also called: Proteasome-associated autoinflammatory syndrome. Identifiers: Orphanet 324977, MedGen C1850568, MONDO:0009726.

Allele frequency attached by ClinVar (database versions not stated): gnomAD exomes 0.00001.
gnomAD v4.1: 13 of 1,614,236 alleles (0.00081%); highest among the groups gnomAD compares: Non-Finnish European, 0.00093%; no homozygotes.

Submission:

Labcorp Genetics (formerly Invitae), Labcorp
Classification: Uncertain significance for Proteosome-associated autoinflammatory syndrome. Last evaluated: 2023-07-17. Review status: criteria provided, single submitter. Criteria: Invitae Variant Classification Sherloc (09022015). Collection method: clinical testing. Allele origin: germline.
Comment: ClinVar contains an entry for this variant (Variation ID: 1491549). In summary, the available evidence is currently insufficient to determine the role of this variant in disease. Therefore, it has been classified as a Variant of Uncertain Significance. Advanced modeling of protein sequence and biophysical properties (such as structural, functional, and spatial information, amino acid conservation, physicochemical variation, residue mobility, and thermodynamic stability) performed at Invitae indicates that this missense variant is not expected to disrupt PSMB8 protein function. This variant has not been reported in the literature in individuals affected with PSMB8-related conditions. This variant is not present in population databases (gnomAD no frequency). This sequence change replaces cysteine, which is neutral and slightly polar, with tryptophan, which is neutral and slightly polar, at codon 120 of the PSMB8 protein (p.Cys120Trp).